The following is an entry in ClinVar:

NM_001082538.3(TCTN1):c.1759TTC[4] (p.Phe589dup)

Gene: TCTN1 (tectonic family member 1; plus strand). Cytogenetic location: 12q24.11.
Variant type: Microsatellite.
Coding change: c.1759TTC[4] on transcript NM_001082538.3 (MANE Select); four copies in a row of the 3-base unit TTC starting at c.1759; the reference has three copies in a row; one copy, 3 bases duplicated.
Protein change: p.Phe589dup; duplicates phenylalanine 589.
Molecular consequence: inframe insertion. On other transcripts: non-coding transcript variant (1).
Genome position (GRCh38, 1-based): chr12:110,647,878-110,647,880, TTC duplicated; duplicating any 3 consecutive bases within chr12:110,647,871-110,647,880 gives the same sequence; the position shown is the placement nearest the transcript's 3' end. VCF-style (leftmost placement, unchanged base first): chr12-110647870-A-ACTT. GRCh37 (hg19) VCF-style: chr12-111085675-A-ACTT.
Other names: c.1744TTC[4], p.Phe584dup (NM_001082537.3); c.1576TTC[4], p.Phe528dup (NM_001173975.3); c.1432TTC[4], p.Phe480dup (NM_001173976.2); c.1597TTC[4], p.Phe535dup (NM_001319680.2); c.1210TTC[4], p.Phe406dup (NM_001319681.2); c.1702TTC[4], p.Phe570dup (NM_024549.6).
Identifiers: ClinVar variation 1466819 (VCV001466819.7), dbSNP rs1482826487, ClinGen allele CA481747767.
Genomic context (GRCh38, chr12:110,647,870, plus strand): 5'-CTGCACCTGCAGAGGCAGGCTTCAGAGCTCCACCAGCCATCAATGCCAGGCTGCCCTTTA[A>ACTT]CTTCTTCTTCCCGTTTGTTTGACGTAAGTGAGGAAACTACGCCCCTCCTCTGAGGTCATC-3'

ClinVar aggregate classification (germline): Uncertain significance (1 of 4 stars; one submission).

Conditions:
Meckel-Gruber syndrome. Also called: DYSENCEPHALIA SPLANCHNOCYSTICA; GRUBER SYNDROME; Dysencephalia splachnocystica. Identifiers: Orphanet 564, MedGen C0265215, MONDO:0018921.
Joubert syndrome. Also called: CEREBELLOPARENCHYMAL DISORDER IV; JOUBERT-BOLTSHAUSER SYNDROME; Familial aplasia of the vermis. Identifiers: Orphanet 475, MedGen C5979921, MONDO:0018772.

Submission:

Labcorp Genetics (formerly Invitae), Labcorp
Classification: Uncertain significance for Joubert syndrome; Meckel-Gruber syndrome. Last evaluated: 2024-05-06. Review status: criteria provided, single submitter. Criteria: Invitae Variant Classification Sherloc (09022015). Collection method: clinical testing. Allele origin: germline.
Comment: This variant, c.1765_1767dup, results in the insertion of 1 amino acid(s) of the TCTN1 protein (p.Phe589dup), but otherwise preserves the integrity of the reading frame. This variant is not present in population databases (gnomAD no frequency). This variant has not been reported in the literature in individuals affected with TCTN1-related conditions. Experimental studies and prediction algorithms are not available or were not evaluated, and the functional significance of this variant is currently unknown. In summary, the available evidence is currently insufficient to determine the role of this variant in disease. Therefore, it has been classified as a Variant of Uncertain Significance.